The following is an entry in ClinVar:

ClinVar aggregate classification (germline): Uncertain significance (1 of 4 stars; one submission).

Conditions:
Inborn genetic diseases. Identifiers: MedGen C0950123, MeSH D030342.

Allele frequency attached by ClinVar (database versions not stated): gnomAD exomes below 0.00001; ExAC 0.00001.
gnomAD v4.1: 1 of 1,614,016 alleles (0.000062%); highest among the groups gnomAD compares: Non-Finnish European, 0.000085%; no homozygotes.

Submission:

Ambry Genetics
Classification: Uncertain significance for Inborn genetic diseases. Last evaluated: 2023-06-24. Review status: criteria provided, single submitter. Criteria: Ambry Variant Classification Scheme 2023. Collection method: clinical testing. Allele origin: germline.
Comment: The p.I869M variant (also known as c.2607A>G), located in coding exon 20 of the BUB1B gene, results from an A to G substitution at nucleotide position 2607. The isoleucine at codon 869 is replaced by methionine, an amino acid with highly similar properties. This amino acid position is conserved. In addition, this alteration is predicted to be tolerated by in silico analysis. Since supporting evidence is limited at this time, the clinical significance of this alteration remains unclear.

NM_001211.6(BUB1B):c.2607A>G (p.Ile869Met)

Gene: BUB1B (BUB1 mitotic checkpoint serine/threonine kinase B; plus strand). Cytogenetic location: 15q15.1.
Variant type: single nucleotide variant.
Coding change: c.2607A>G on transcript NM_001211.6 (MANE Select); coding-DNA position 2607, A replaced by G.
Protein change: p.Ile869Met; replaces isoleucine 869 with methionine.
Molecular consequence: missense variant.
Genome position (GRCh38, 1-based): chr15:40,213,403, A>G. VCF-style: chr15-40213403-A-G. GRCh37 (hg19) VCF-style: chr15-40505604-A-G.
Other names: short protein forms I869M.
Identifiers: ClinVar variation 2585908 (VCV002585908.2), dbSNP rs756781190, ClinGen allele CA7476086.
Genomic context (GRCh38, chr15:40,213,403, plus strand): 5'-ACACAGTGAATATATTACCCATGAAATAACAGTGTTGATTATTTATAACCTTTTGACAAT[A>G]GTGGAGATGCTACACAAAGCAGAAATAGTCCATGGTGACTTGAGTCCAAGGTGTCTGATT-3'
Protein context (NP_001202.5, residues 859-879): TVLIIYNLLT[Ile869Met]VEMLHKAEIV